The following is an entry in ClinVar:

ClinVar aggregate classification (germline): Likely benign. Review status: criteria provided, single submitter (1 of 4 stars). 2 submissions from 2 submitters: Likely benign (1). 1 of the submissions does not count toward it. Last evaluated 2024-02-06.

Conditions:
ESCO2-related disorder. Also called: ESCO2-related condition.

Allele frequency attached by ClinVar (database versions not stated): TOPMed 0.00006.
gnomAD v4.1: 13 of 1,605,144 alleles (0.00081%); highest among the groups gnomAD compares: African/African-American, 0.0094%; no homozygotes.

Submissions (2):

Labcorp Genetics (formerly Invitae), Labcorp
Classification: Likely benign. Last evaluated: 2024-02-06. Review status: criteria provided, single submitter. Criteria: Invitae Variant Classification Sherloc (09022015). Collection method: clinical testing. Allele origin: germline.

PreventionGenetics, part of Exact Sciences
Classification: Likely benign for ESCO2-related condition. Last evaluated: 2019-03-12. Review status: no assertion criteria provided. Collection method: clinical testing. Allele origin: germline. Not counted in ClinVar's aggregate classification.
Comment: This variant is classified as likely benign based on ACMG/AMP sequence variant interpretation guidelines (Richards et al. 2015 PMID: 25741868, with internal and published modifications).

NM_001017420.3(ESCO2):c.768G>T (p.Ala256=)

Gene: ESCO2 (establishment of sister chromatid cohesion N-acetyltransferase 2; plus strand). Cytogenetic location: 8p21.1.
Variant type: single nucleotide variant.
Coding change: c.768G>T on transcript NM_001017420.3 (MANE Select); coding-DNA position 768, G replaced by T.
Protein change: p.Ala256=; no amino-acid change (alanine 256 retained).
Molecular consequence: synonymous variant.
Genome position (GRCh38, 1-based): chr8:27,777,076, G>T. VCF-style: chr8-27777076-G-T. GRCh37 (hg19) VCF-style: chr8-27634593-G-T.
Identifiers: ClinVar variation 766024 (VCV000766024.11), dbSNP rs372611248, ClinGen allele CA4692113.